The following is an entry in ClinVar:

ClinVar aggregate classification (germline): Pathogenic (1 of 4 stars; one submission).

Conditions:
Hereditary pancreatitis (PCTT). Also called: Hereditary chronic pancreatitis; PRSS1-Related Hereditary Pancreatitis. Identifiers: Orphanet 676, MedGen C0238339, MONDO:0008185, OMIM 167800.

Submission:

Ambry Genetics
Classification: Pathogenic for Hereditary pancreatitis. Last evaluated: 2021-06-16. Review status: criteria provided, single submitter. Criteria: Ambry Variant Classification Scheme 2023. Collection method: clinical testing. Allele origin: germline.
Comment: The p.W55* pathogenic mutation (also known as c.165G>A), located in coding exon 3 of the CTRC gene, results from a G to A substitution at nucleotide position 165. This changes the amino acid from a tryptophan to a stop codon within coding exon 3. This alteration is expected to result in loss of function by premature protein truncation or nonsense-mediated mRNA decay. As such, this alteration is interpreted as a disease-causing mutation.

NM_007272.3(CTRC):c.165G>A (p.Trp55Ter)

Gene: CTRC (chymotrypsin C; plus strand). Cytogenetic location: 1p36.21.
Variant type: single nucleotide variant.
Coding change: c.165G>A on transcript NM_007272.3 (MANE Select); coding-DNA position 165, G replaced by A.
Protein change: p.Trp55Ter; replaces tryptophan 55 with a stop codon.
Molecular consequence: nonsense.
Genome position (GRCh38, 1-based): chr1:15,440,525, G>A. VCF-style: chr1-15440525-G-A. GRCh37 (hg19) VCF-style: chr1-15767021-G-A.
Other names: short protein forms W55*.
Identifiers: ClinVar variation 1777451 (VCV001777451.2), dbSNP rs2526290117, ClinGen allele CA338565008.